The following is an entry in ClinVar:

NM_024757.5(EHMT1):c.2506-3C>T

Gene: EHMT1 (euchromatic histone lysine methyltransferase 1; plus strand). Cytogenetic location: 9q34.3.
Variant type: single nucleotide variant.
Coding change: c.2506-3C>T on transcript NM_024757.5 (MANE Select); 3 bases into the intron before coding-DNA position 2506, C replaced by T.
Molecular consequence: intron variant.
Genome position (GRCh38, 1-based): chr9:137,798,810, C>T. VCF-style: chr9-137798810-C-T. GRCh37 (hg19) VCF-style: chr9-140693262-C-T.
Other names: c.2485-3C>T (NM_001354263.2).
Identifiers: ClinVar variation 2957238 (VCV002957238.3), dbSNP rs570202155, ClinGen allele CA5374980.

ClinVar aggregate classification (germline): Uncertain significance (1 of 4 stars; one submission).

Conditions:
Kleefstra syndrome 1 (KLEFS1). Identifiers: Orphanet 261494, MedGen C0795833, MONDO:0027407, OMIM 610253.

Allele frequency attached by ClinVar (database versions not stated): gnomAD 0.00001; 1000 Genomes Project 0.00020; ExAC 0.00001; 1000 Genomes Project 30x 0.00031; TOPMed 0.00001.

Submission:

Labcorp Genetics (formerly Invitae), Labcorp
Classification: Uncertain significance for Kleefstra syndrome 1. Last evaluated: 2023-07-25. Review status: criteria provided, single submitter. Criteria: Invitae Variant Classification Sherloc (09022015). Collection method: clinical testing. Allele origin: germline.
Comment: This sequence change falls in intron 16 of the EHMT1 gene. It does not directly change the encoded amino acid sequence of the EHMT1 protein. It affects a nucleotide within the consensus splice site. This variant is present in population databases (rs570202155, gnomAD 0.01%). This variant has not been reported in the literature in individuals affected with EHMT1-related conditions. Variants that disrupt the consensus splice site are a relatively common cause of aberrant splicing (PMID: 17576681, 9536098). Algorithms developed to predict the effect of sequence changes on RNA splicing suggest that this variant is not likely to affect RNA splicing. In summary, the available evidence is currently insufficient to determine the role of this variant in disease. Therefore, it has been classified as a Variant of Uncertain Significance.

Literature cited by the submitters: PubMed 17576681; PubMed 9536098.